The following is an entry in ClinVar:

NM_000179.3(MSH6):c.1520G>C (p.Arg507Thr)

Gene: MSH6 (mutS homolog 6; plus strand). Cytogenetic location: 2p16.3.
Variant type: single nucleotide variant.
Coding change: c.1520G>C on transcript NM_000179.3 (MANE Select); coding-DNA position 1520, G replaced by C.
Protein change: p.Arg507Thr; replaces arginine 507 with threonine.
Molecular consequence: missense variant. On other transcripts: non-coding transcript variant (4), intron variant (1).
Genome position (GRCh38, 1-based): chr2:47,799,503, G>C. VCF-style: chr2-47799503-G-C. GRCh37 (hg19) VCF-style: chr2-48026642-G-C.
Other names: c.1130G>C, p.Arg377Thr (NM_001281492.2); c.614G>C, p.Arg205Thr (NM_001281493.2, NM_001281494.2, NM_001406811.1 and 6 more transcripts); c.1616G>C, p.Arg539Thr (NM_001406795.1, NM_001406802.1); c.1520G>C, p.Arg507Thr (NM_001406796.1, NM_001406798.1, NM_001406800.1 and 4 more transcripts); c.1223G>C, p.Arg408Thr (NM_001406797.1, NM_001406801.1, NM_001406805.1 and 10 more transcripts); c.995G>C, p.Arg332Thr (NM_001406799.1, NM_001406806.1, NM_001406807.1); c.1442G>C, p.Arg481Thr (NM_001406804.1); c.1526G>C, p.Arg509Thr (NM_001406813.1); and 2 more; short protein forms R205T, R332T, R377T, R408T, R451T, R481T, R507T, R509T.
Identifiers: ClinVar variation 3230504 (VCV003230504.2), dbSNP rs2104349227, ClinGen allele CA346746384.

ClinVar aggregate classification (germline): Uncertain significance. Review status: criteria provided, multiple submitters, no conflicts (2 of 4 stars). 2 submissions from 2 submitters: Uncertain significance (2). Last evaluated 2025-04-02.

Conditions:
Hereditary nonpolyposis colorectal neoplasms. Identifiers: MedGen C0009405, MeSH D003123.
Hereditary cancer-predisposing syndrome. Also called: Neoplastic Syndromes, Hereditary; Tumor predisposition; Hereditary neoplastic syndrome; Hereditary Cancer Syndrome. Identifiers: Orphanet 140162, MedGen C0027672, MeSH D009386, MONDO:0015356.

Allele frequency attached by ClinVar (database versions not stated): gnomAD exomes below 0.00001.
gnomAD v4.1: 1 of 1,614,188 alleles (0.000062%); highest among the groups gnomAD compares: Non-Finnish European, 0.000085%; no homozygotes.

Submissions (2):

Labcorp Genetics (formerly Invitae), Labcorp
Classification: Uncertain significance for Hereditary nonpolyposis colorectal neoplasms. Last evaluated: 2025-04-02. Review status: criteria provided, single submitter. Criteria: Invitae Variant Classification Sherloc (09022015). Collection method: clinical testing. Allele origin: germline.
Comment: This sequence change replaces arginine, which is basic and polar, with threonine, which is neutral and polar, at codon 507 of the MSH6 protein (p.Arg507Thr). This variant is not present in population databases (gnomAD no frequency). This variant has not been reported in the literature in individuals affected with MSH6-related conditions. ClinVar contains an entry for this variant (Variation ID: 3230504). Invitae Evidence Modeling of protein sequence and biophysical properties (such as structural, functional, and spatial information, amino acid conservation, physicochemical variation, residue mobility, and thermodynamic stability) indicates that this missense variant is not expected to disrupt MSH6 protein function with a negative predictive value of 95%. In summary, the available evidence is currently insufficient to determine the role of this variant in disease. Therefore, it has been classified as a Variant of Uncertain Significance.

Ambry Genetics
Classification: Uncertain significance for Hereditary cancer-predisposing syndrome. Last evaluated: 2024-03-02. Review status: criteria provided, single submitter. Criteria: Ambry Variant Classification Scheme 2023. Collection method: clinical testing. Allele origin: germline.
Comment: The p.R507T variant (also known as c.1520G>C), located in coding exon 4 of the MSH6 gene, results from a G to C substitution at nucleotide position 1520. The arginine at codon 507 is replaced by threonine, an amino acid with similar properties. This amino acid position is conserved. In addition, the in silico prediction for this alteration is inconclusive. Based on the available evidence, the clinical significance of this alteration remains unclear.